The following is an entry in ClinVar:

ClinVar aggregate classification (germline): Conflicting classifications of pathogenicity. Review status: criteria provided, conflicting classifications (1 of 4 stars). 5 submissions from 5 submitters: Uncertain significance (1); Likely benign (4). Last evaluated 2026-01-15.

Conditions:
LAMA2-related muscular dystrophy (LAMA2-RD). Also called: Laminin alpha 2-related dystrophy. Identifiers: MedGen C5679788, MONDO:0100228.
Congenital muscular dystrophy due to partial LAMA2 deficiency. Identifiers: MedGen C1842898.
LAMA2-related disorder. Also called: LAMA2-related disorders; LAMA2-related condition.

Allele frequency attached by ClinVar (database versions not stated): gnomAD 0.00013; 1000 Genomes Project 30x 0.00016; 1000 Genomes Project 0.00020; ExAC 0.00021; ESP Exome Variant Server 0.00023; TOPMed 0.00024.
gnomAD v4.1: 594 of 1,613,948 alleles (0.037%); highest among the groups gnomAD compares: Non-Finnish European, 0.046%; no homozygotes.

Submissions (5):

Labcorp Genetics (formerly Invitae), Labcorp
Classification: Likely benign for LAMA2-related muscular dystrophy. Last evaluated: 2026-01-15. Review status: criteria provided, single submitter. Criteria: Invitae Variant Classification Sherloc (09022015). Collection method: clinical testing. Allele origin: germline.

PreventionGenetics, part of Exact Sciences
Classification: Likely benign for LAMA2-related condition. Last evaluated: 2025-02-03. Review status: criteria provided, single submitter. Criteria: ACMG Guidelines, 2015. Collection method: clinical testing. Allele origin: germline.
Comment: This variant is classified as likely benign based on ACMG/AMP sequence variant interpretation guidelines (Richards et al. 2015 PMID: 25741868, with internal and published modifications).

Blueprint Genetics
Classification: Likely benign. Last evaluated: 2024-08-08. Review status: criteria provided, single submitter. Criteria: ACMG Guidelines, 2015. Collection method: clinical testing. Allele origin: germline.

CeGaT Center for Human Genetics Tuebingen
Classification: Likely benign. Last evaluated: 2023-03-01. Review status: criteria provided, single submitter. Criteria: CeGaT Center For Human Genetics Tuebingen Variant Classification Criteria Version 2. Collection method: clinical testing. Allele origin: germline. Affected: yes. Observed: 2 variant alleles.
Comment: LAMA2: BP4, BP7

Illumina Laboratory Services, Illumina
Classification: Uncertain significance for Congenital muscular dystrophy due to partial LAMA2 deficiency. Last evaluated: 2018-01-13. Review status: criteria provided, single submitter. Criteria: ICSL Variant Classification Criteria 13 December 2019. Collection method: clinical testing. Allele origin: germline.

NM_000426.4(LAMA2):c.8298C>T (p.Phe2766=)

Genes: LAMA2 (laminin subunit alpha 2; plus strand), LOC126859784 (CDK7 strongly-dependent group 2 enhancer GRCh37_chr6:129822854-129824053; plus strand). Cytogenetic location: 6q22.33.
Variant type: single nucleotide variant.
Coding change: c.8298C>T on transcript NM_000426.4 (MANE Select); coding-DNA position 8298, C replaced by T.
Protein change: p.Phe2766=; no amino-acid change (phenylalanine 2766 retained).
Molecular consequence: synonymous variant.
Genome position (GRCh38, 1-based): chr6:129,502,712, C>T. VCF-style: chr6-129502712-C-T. GRCh37 (hg19) VCF-style: chr6-129823857-C-T.
Other names: c.8286C>T, p.Phe2762= (NM_001079823.2).
Identifiers: ClinVar variation 543880 (VCV000543880.41), dbSNP rs145295628, ClinGen allele CA3994790.